The following is an entry in ClinVar:

ClinVar aggregate classification (germline): Likely benign. Review status: criteria provided, multiple submitters, no conflicts (2 of 4 stars). 4 submissions from 4 submitters: Likely benign (3). 1 of the submissions does not count toward it. Last evaluated 2026-01-19.

Conditions:
Hermansky-Pudlak syndrome 9 (HPS9). Identifiers: Orphanet 280663, Orphanet 79430, MedGen C3280026, MONDO:0013606, OMIM 614171.
BLOC1S6-related disorder. Also called: BLOC1S6-related condition.

Allele frequency attached by ClinVar (database versions not stated): gnomAD exomes 0.00005 and 0.00012; ExAC 0.00016; ESP Exome Variant Server 0.00039; gnomAD 0.00043 and 0.00047; TOPMed 0.00056; 1000 Genomes Project 0.00080; 1000 Genomes Project 30x 0.00109.
gnomAD v4.1: 148 of 1,611,624 alleles (0.0092%); highest among the groups gnomAD compares: African/African-American, 0.18%; no homozygotes.

Submissions (4):

Labcorp Genetics (formerly Invitae), Labcorp
Classification: Likely benign for Hermansky-Pudlak syndrome 9. Last evaluated: 2026-01-19. Review status: criteria provided, single submitter. Criteria: Invitae Variant Classification Sherloc (09022015). Collection method: clinical testing. Allele origin: germline.

Women's Health and Genetics/Laboratory Corporation of America, LabCorp
Classification: Likely benign. Last evaluated: 2025-12-15. Review status: criteria provided, single submitter. Criteria: LabCorp Variant Classification Summary - May 2015. Collection method: clinical testing. Allele origin: germline.

Blueprint Genetics
Classification: Likely benign. Last evaluated: 2023-06-21. Review status: criteria provided, single submitter. Criteria: ACMG Guidelines, 2015. Collection method: clinical testing. Allele origin: germline.

PreventionGenetics, part of Exact Sciences
Classification: Likely benign for BLOC1S6-related condition. Last evaluated: 2021-02-25. Review status: no assertion criteria provided. Collection method: clinical testing. Allele origin: germline. Not counted in ClinVar's aggregate classification.
Comment: This variant is classified as likely benign based on ACMG/AMP sequence variant interpretation guidelines (Richards et al. 2015 PMID: 25741868, with internal and published modifications).

NM_012388.4(BLOC1S6):c.252A>T (p.Thr84=)

Gene: BLOC1S6 (biogenesis of lysosomal organelles complex 1 subunit 6; plus strand). Cytogenetic location: 15q21.1.
Variant type: single nucleotide variant.
Coding change: c.252A>T on transcript NM_012388.4 (MANE Select); coding-DNA position 252, A replaced by T.
Protein change: p.Thr84=; no amino-acid change (threonine 84 retained).
Molecular consequence: synonymous variant. On other transcripts: non-coding transcript variant (6), intron variant (1).
Genome position (GRCh38, 1-based): chr15:45,603,127, A>T. VCF-style: chr15-45603127-A-T. GRCh37 (hg19) VCF-style: chr15-45895325-A-T.
Other names: c.267A>T, p.Thr89= (NM_001311255.1); c.240-2301A>T (NM_001311256.1).
Identifiers: ClinVar variation 739892 (VCV000739892.14), dbSNP rs114872740, ClinGen allele CA7544317.